The following is an entry in ClinVar:

NM_020223.4(FAM20C):c.970C>T (p.Arg324Cys)

Gene: FAM20C (FAM20C golgi associated secretory pathway kinase; plus strand). Cytogenetic location: 7p22.3.
Variant type: single nucleotide variant.
Coding change: c.970C>T on transcript NM_020223.4 (MANE Select); coding-DNA position 970, C replaced by T.
Protein change: p.Arg324Cys; replaces arginine 324 with cysteine.
Molecular consequence: missense variant.
Genome position (GRCh38, 1-based): chr7:248,328, C>T. VCF-style: chr7-248328-C-T. GRCh37 (hg19) VCF-style: chr7-288294-C-T.
Other names: c.970C>T (NM_020223.2); short protein forms R324C.
Identifiers: ClinVar variation 1409112 (VCV001409112.4), dbSNP rs1228139412, ClinGen allele CA366523791.

ClinVar aggregate classification (germline): Uncertain significance. Review status: criteria provided, multiple submitters, no conflicts (2 of 4 stars). 2 submissions from 2 submitters: Uncertain significance (2). Last evaluated 2024-11-13.

Conditions:
Inborn genetic diseases. Identifiers: MedGen C0950123, MeSH D030342.

Allele frequency attached by ClinVar (database versions not stated): gnomAD 0.00001; gnomAD exomes 0.00001 and 0.00003; TOPMed 0.00001.
gnomAD v4.1: 40 of 1,535,576 alleles (0.0026%); highest among the groups gnomAD compares: East Asian, 0.0073%; no homozygotes.

Submissions (2):

Ambry Genetics
Classification: Uncertain significance for Inborn genetic diseases. Last evaluated: 2024-11-13. Review status: criteria provided, single submitter. Criteria: Ambry Variant Classification Scheme 2023. Collection method: clinical testing. Allele origin: germline.

Labcorp Genetics (formerly Invitae), Labcorp
Classification: Uncertain significance. Last evaluated: 2021-11-25. Review status: criteria provided, single submitter. Criteria: Invitae Variant Classification Sherloc (09022015). Collection method: clinical testing. Allele origin: germline.
Comment: This sequence change replaces arginine, which is basic and polar, with cysteine, which is neutral and slightly polar, at codon 324 of the FAM20C protein (p.Arg324Cys). This variant is present in population databases (no rsID available, gnomAD 0.004%). This variant has not been reported in the literature in individuals affected with FAM20C-related conditions. Algorithms developed to predict the effect of missense changes on protein structure and function are either unavailable or do not agree on the potential impact of this missense change (SIFT: "Deleterious"; PolyPhen-2: "Possibly Damaging"; Align-GVGD: "Class C0"). In summary, the available evidence is currently insufficient to determine the role of this variant in disease. Therefore, it has been classified as a Variant of Uncertain Significance.